The following is an entry in ClinVar:

ClinVar aggregate classification (germline): Uncertain significance (1 of 4 stars; one submission).

Allele frequency attached by ClinVar (database versions not stated): ExAC 0.00001; gnomAD 0.00001; gnomAD exomes 0.00001.

Submission:

Labcorp Genetics (formerly Invitae), Labcorp
Classification: Uncertain significance. Last evaluated: 2023-09-12. Review status: criteria provided, single submitter. Criteria: Invitae Variant Classification Sherloc (09022015). Collection method: clinical testing. Allele origin: germline.
Comment: In summary, the available evidence is currently insufficient to determine the role of this variant in disease. Therefore, it has been classified as a Variant of Uncertain Significance. Advanced modeling of protein sequence and biophysical properties (such as structural, functional, and spatial information, amino acid conservation, physicochemical variation, residue mobility, and thermodynamic stability) performed at Invitae indicates that this missense variant is not expected to disrupt MYO7A protein function. ClinVar contains an entry for this variant (Variation ID: 1946457). This variant has not been reported in the literature in individuals affected with MYO7A-related conditions. This variant is present in population databases (rs782747153, gnomAD 0.003%). This sequence change replaces serine, which is neutral and polar, with leucine, which is neutral and non-polar, at codon 319 of the MYO7A protein (p.Ser319Leu).

NM_000260.4(MYO7A):c.956C>T (p.Ser319Leu)

Gene: MYO7A (myosin VIIA; plus strand). Cytogenetic location: 11q13.5.
Variant type: single nucleotide variant.
Coding change: c.956C>T on transcript NM_000260.4 (MANE Select); coding-DNA position 956, C replaced by T.
Protein change: p.Ser319Leu; replaces serine 319 with leucine.
Molecular consequence: missense variant.
Genome position (GRCh38, 1-based): chr11:77,158,383, C>T. VCF-style: chr11-77158383-C-T. GRCh37 (hg19) VCF-style: chr11-76869429-C-T.
Other names: c.956C>T, p.Ser319Leu (NM_001127180.2); c.923C>T, p.Ser308Leu (NM_001369365.1); short protein forms S319L, S308L.
Identifiers: ClinVar variation 1946457 (VCV001946457.5), dbSNP rs782747153, ClinGen allele CA6197309.